The following is an entry in ClinVar:

NM_000138.5(FBN1):c.*92T>C

Gene: FBN1 (fibrillin 1; minus strand). Cytogenetic location: 15q21.1.
Variant type: single nucleotide variant.
Coding change: c.*92T>C on transcript NM_000138.5 (MANE Select); 92 bases downstream of the stop codon, T replaced by C.
Molecular consequence: 3 prime UTR variant.
Genome position (GRCh38, 1-based): chr15:48,410,898, A>G on the plus strand (T>C on the coding strand, the complement: FBN1 is on the minus strand). VCF-style: chr15-48410898-A-G. GRCh37 (hg19) VCF-style: chr15-48703095-A-G.
Other names: c.*92T>C (NM_001406716.1).
Identifiers: ClinVar variation 5009862 (VCV005009862.1).

ClinVar aggregate classification (germline): Uncertain significance (1 of 4 stars; one submission).

Submission:

GeneDx
Classification: Uncertain significance. Last evaluated: 2026-03-19. Review status: criteria provided, single submitter. Criteria: GeneDx Variant Classification Process June 2021. Collection method: clinical testing. Allele origin: germline.
Comment: Reported in a patient with an isolated aortopathy and family history of cardiac death in published literature (PMID: 39511342); Located in a regulatory region; in the absence of functional studies, the actual effect of this sequence change is unknown; No data available from control populations to assess the frequency of this variant; This variant is associated with the following publications: (PMID: 39511342)